The following is an entry in ClinVar:

NM_052872.4(IL17F):c.67G>A (p.Ala23Thr)

Gene: IL17F (interleukin 17F; minus strand). Cytogenetic location: 6p12.2.
Variant type: single nucleotide variant.
Coding change: c.67G>A on transcript NM_052872.4 (MANE Select); coding-DNA position 67, G replaced by A.
Protein change: p.Ala23Thr; replaces alanine 23 with threonine.
Molecular consequence: missense variant.
Genome position (GRCh38, 1-based): chr6:52,238,917, C>T on the plus strand (G>A on the coding strand, the complement: IL17F is on the minus strand). VCF-style: chr6-52238917-C-T. GRCh37 (hg19) VCF-style: chr6-52103715-C-T.
Other names: short protein forms A23T.
Identifiers: ClinVar variation 4778631 (VCV004778631.1).

ClinVar aggregate classification (germline): Uncertain significance (1 of 4 stars; one submission).

Conditions:
Candidiasis, familial, 6 (CANDF6). Also called: Candidiasis, familial, 6, autosomal dominant. Identifiers: Orphanet 1334, MedGen C3151405, MONDO:0013503, OMIM 613956.

Submission:

Labcorp Genetics (formerly Invitae), Labcorp
Classification: Uncertain significance for Candidiasis, familial, 6. Last evaluated: 2025-06-04. Review status: criteria provided, single submitter. Criteria: Invitae Variant Classification Sherloc (09022015). Collection method: clinical testing. Allele origin: germline.
Comment: This sequence change replaces alanine, which is neutral and non-polar, with threonine, which is neutral and polar, at codon 23 of the IL17F protein (p.Ala23Thr). This variant is not present in population databases (gnomAD no frequency). This variant has not been reported in the literature in individuals affected with IL17F-related conditions. An algorithm developed to predict the effect of missense changes on protein structure and function outputs the following: PolyPhen-2: "Benign". The threonine amino acid residue is found in multiple mammalian species, which suggests that this missense change does not adversely affect protein function. In summary, the available evidence is currently insufficient to determine the role of this variant in disease. Therefore, it has been classified as a Variant of Uncertain Significance.